The following is an entry in ClinVar:

ClinVar aggregate classification (germline): Likely benign (1 of 4 stars; one submission).

gnomAD v4.1: 8 of 1,614,224 alleles (0.0005%); highest among the groups gnomAD compares: East Asian, 0.0089%; no homozygotes.

Submission:

CeGaT Center for Human Genetics Tuebingen
Classification: Likely benign. Last evaluated: 2025-10-01. Review status: criteria provided, single submitter. Criteria: CeGaT Center For Human Genetics Tuebingen Variant Classification Criteria Version 2. Collection method: clinical testing. Allele origin: germline. Affected: yes. Observed: 1 variant allele.
Comment: USP7: BP4, BP7

NM_003470.3(USP7):c.1959T>C (p.Asp653=)

Gene: USP7 (ubiquitin specific peptidase 7; minus strand). Cytogenetic location: 16p13.2.
Variant type: single nucleotide variant.
Coding change: c.1959T>C on transcript NM_003470.3 (MANE Select); coding-DNA position 1959, T replaced by C.
Protein change: p.Asp653=; no amino-acid change (aspartic acid 653 retained).
Molecular consequence: synonymous variant. On other transcripts: non-coding transcript variant (1).
Genome position (GRCh38, 1-based): chr16:8,902,170, A>G on the plus strand (T>C on the coding strand, the complement: USP7 is on the minus strand). VCF-style: chr16-8902170-A-G. GRCh37 (hg19) VCF-style: chr16-8996027-A-G.
Other names: c.1911T>C, p.Asp637= (NM_001286457.2); c.1662T>C, p.Asp554= (NM_001286458.2); c.1785T>C, p.Asp595= (NM_001321858.2).
Identifiers: ClinVar variation 4535483 (VCV004535483.6).
Genomic context (GRCh38, chr16:8,902,170, plus strand): 5'-TCCACTAGCAGCCAGCTCGGGATCAACTGTTTCCAGGAATATTGTCCAAGGGTTTTCATT[A>G]TCACTGAGCTCAATCATCTATTTCCAAAAGAGACGCTGATTTTAGAAGAGTCTAATGGCT-3'
Protein context (NP_003461.2, residues 643-663): DGNKTMIELS[Asp653=]NENPWTIFLE